The following is an entry in ClinVar:

ClinVar aggregate classification (germline): Conflicting classifications of pathogenicity. Review status: criteria provided, conflicting classifications (1 of 4 stars). 2 submissions from 2 submitters: Uncertain significance (1); Likely benign (1). Last evaluated 2025-04-19.

Conditions:
Pancreatic adenocarcinoma. Identifiers: MedGen C0281361, MONDO:0006047, HP:0006725.

gnomAD v4.1: 1 of 1,444,936 alleles (0.000069%); highest among the groups gnomAD compares: Non-Finnish European, 0.00009%; no homozygotes.

Submissions (2):

Ambry Genetics
Classification: Likely benign. Last evaluated: 2025-04-19. Review status: criteria provided, single submitter. Criteria: Ambry Variant Classification Scheme 2023. Collection method: clinical testing. Allele origin: germline.

Labcorp Genetics (formerly Invitae), Labcorp
Classification: Uncertain significance for Pancreatic adenocarcinoma. Last evaluated: 2024-05-13. Review status: criteria provided, single submitter. Criteria: Invitae Variant Classification Sherloc (09022015). Collection method: clinical testing. Allele origin: germline.
Comment: This sequence change replaces valine, which is neutral and non-polar, with methionine, which is neutral and non-polar, at codon 66 of the PALLD protein (p.Val66Met). This variant is not present in population databases (gnomAD no frequency). This variant has not been reported in the literature in individuals affected with PALLD-related conditions. An algorithm developed to predict the effect of missense changes on protein structure and function (PolyPhen-2) suggests that this variant is likely to be disruptive. In summary, the available evidence is currently insufficient to determine the role of this variant in disease. Therefore, it has been classified as a Variant of Uncertain Significance.

NM_001166108.2(PALLD):c.1965-12835G>A

Gene: PALLD (palladin, cytoskeletal associated protein; plus strand). Cytogenetic location: 4q32.3.
Variant type: single nucleotide variant.
Coding change: c.1965-12835G>A on transcript NM_001166108.2 (MANE Select); 12835 bases into the intron before coding-DNA position 1965, G replaced by A.
Molecular consequence: intron variant. On other transcripts: missense variant (1).
Genome position (GRCh38, 1-based): chr4:168,878,087, G>A. VCF-style: chr4-168878087-G-A. GRCh37 (hg19) VCF-style: chr4-169799238-G-A.
Other names: c.196G>A (NM_001166110.1); c.196G>A, p.Val66Met (NM_001166110.2); c.1965-12835G>A (NM_016081.4); c.819-12835G>A (NM_001166109.2); c.-157-12835G>A (NM_001367570.1, NM_001367568.1, NM_001367567.1 and 1 more transcripts); short protein forms V66M.
Identifiers: ClinVar variation 3610573 (VCV003610573.3).
Genomic context (GRCh38, chr4:168,878,087, plus strand): 5'-AGCTCGTCCAGCCTCCCGTCGCCCATGTCCCCGACGCCGAGGCAGTTCGGCCGCGCCCCC[G>A]TGCCGCCCTTCGCGCAGCCCTTCGGCGCTGAGCCCGAGGCCCCGTGGGGCTCCTCCTCGC-3'